The following is an entry in ClinVar:

NM_005188.4(CBL):c.2095G>A (p.Glu699Lys)

Gene: CBL (Cbl proto-oncogene; plus strand). Cytogenetic location: 11q23.3.
Variant type: single nucleotide variant.
Coding change: c.2095G>A on transcript NM_005188.4 (MANE Select); coding-DNA position 2095, G replaced by A.
Protein change: p.Glu699Lys; replaces glutamic acid 699 with lysine.
Molecular consequence: missense variant.
Genome position (GRCh38, 1-based): chr11:119,296,976, G>A. VCF-style: chr11-119296976-G-A. GRCh37 (hg19) VCF-style: chr11-119167686-G-A.
Other names: c.2095G>A (NM_005188.2); short protein forms E699K.
Identifiers: ClinVar variation 2184283 (VCV002184283.5), dbSNP rs557613837, ClinGen allele CA6318681.

ClinVar aggregate classification (germline): Uncertain significance. Review status: criteria provided, multiple submitters, no conflicts (2 of 4 stars). 2 submissions from 2 submitters: Uncertain significance (2). Last evaluated 2026-08-18.

Conditions:
RASopathy. Also called: Noonan spectrum disorder; rasopathies. Identifiers: Orphanet 536391, MedGen C5555857, MONDO:0021060.
Cardiovascular phenotype. Identifiers: MedGen CN230736.

Allele frequency attached by ClinVar (database versions not stated): 1000 Genomes Project 30x 0.00016; ExAC 0.00001; 1000 Genomes Project 0.00020; gnomAD 0.00001.
gnomAD v4.1: 1 of 1,612,766 alleles (0.000062%); highest among the groups gnomAD compares: South Asian, 0.0011%; no homozygotes.

Submissions (2):

Ambry Genetics
Classification: Uncertain significance for Cardiovascular phenotype. Last evaluated: 2026-08-18. Review status: criteria provided, single submitter. Criteria: Ambry Variant Classification Scheme 2023. Collection method: clinical testing. Allele origin: germline.
Comment: The p.E699K variant (also known as c.2095G>A), located in coding exon 13 of the CBL gene, results from a G to A substitution at nucleotide position 2095. The glutamic acid at codon 699 is replaced by lysine, an amino acid with similar properties. This amino acid position is conserved. In addition, this alteration is predicted to be deleterious by in silico analysis. Based on the available evidence, the clinical significance of this variant remains unclear.

Labcorp Genetics (formerly Invitae), Labcorp
Classification: Uncertain significance for RASopathy. Last evaluated: 2022-07-06. Review status: criteria provided, single submitter. Criteria: Invitae Variant Classification Sherloc (09022015). Collection method: clinical testing. Allele origin: germline.
Comment: In summary, the available evidence is currently insufficient to determine the role of this variant in disease. Therefore, it has been classified as a Variant of Uncertain Significance. Advanced modeling of protein sequence and biophysical properties (such as structural, functional, and spatial information, amino acid conservation, physicochemical variation, residue mobility, and thermodynamic stability) performed at Invitae indicates that this missense variant is not expected to disrupt CBL protein function. This variant has not been reported in the literature in individuals affected with CBL-related conditions. This variant is present in population databases (rs557613837, gnomAD 0.003%). This sequence change replaces glutamic acid, which is acidic and polar, with lysine, which is basic and polar, at codon 699 of the CBL protein (p.Glu699Lys).